The following is an entry in ClinVar:

ClinVar aggregate classification (germline): Likely benign. Review status: criteria provided, multiple submitters, no conflicts (2 of 4 stars). 2 submissions from 2 submitters: Likely benign (2). Last evaluated 2026-08-01.

Conditions:
Early-infantile DEE. Also called: Early infantile epileptic encephalopathy with suppression bursts; Early infantile epileptic encephalopathy; Ohtahara syndrome. Identifiers: Orphanet 1934, MedGen C0393706, MONDO:0800491.

Allele frequency attached by ClinVar (database versions not stated): TOPMed 0.00002; ExAC 0.00003; gnomAD exomes 0.00003 and 0.00006; gnomAD 0.00005 and 0.00006.
gnomAD v4.1: 46 of 1,614,034 alleles (0.0029%); highest among the groups gnomAD compares: Admixed American, 0.017%; no homozygotes.

Submissions (2):

CeGaT Center for Human Genetics Tuebingen
Classification: Likely benign. Last evaluated: 2026-08-01. Review status: criteria provided, single submitter. Criteria: CeGaT Center For Human Genetics Tuebingen Variant Classification Criteria Version 2. Collection method: clinical testing. Allele origin: germline. Affected: yes. Observed: 1 variant allele.
Comment: KCNH5: BP4, BP7

Labcorp Genetics (formerly Invitae), Labcorp
Classification: Likely benign for Early-infantile DEE. Last evaluated: 2025-10-10. Review status: criteria provided, single submitter. Criteria: Invitae Variant Classification Sherloc (09022015). Collection method: clinical testing. Allele origin: germline.

NM_139318.5(KCNH5):c.2364C>T (p.Gly788=)

Gene: KCNH5 (potassium voltage-gated channel subfamily H member 5; minus strand). Cytogenetic location: 14q23.2.
Variant type: single nucleotide variant.
Coding change: c.2364C>T on transcript NM_139318.5 (MANE Select); coding-DNA position 2364, C replaced by T.
Protein change: p.Gly788=; no amino-acid change (glycine 788 retained).
Molecular consequence: synonymous variant. On other transcripts: 3 prime UTR variant (1).
Genome position (GRCh38, 1-based): chr14:62,708,111, G>A on the plus strand (C>T on the coding strand, the complement: KCNH5 is on the minus strand). VCF-style: chr14-62708111-G-A. GRCh37 (hg19) VCF-style: chr14-63174829-G-A.
Other names: c.*331C>T (NM_172375.3).
Identifiers: ClinVar variation 700941 (VCV000700941.12), dbSNP rs753750196, ClinGen allele CA7217266.